The following is an entry in ClinVar:

NM_001385641.1(SAMD11):c.1768T>A (p.Ser590Thr)

Gene: SAMD11 (sterile alpha motif domain containing 11; plus strand). Cytogenetic location: 1p36.33.
Variant type: single nucleotide variant.
Coding change: c.1768T>A on transcript NM_001385641.1 (MANE Select); coding-DNA position 1768, T replaced by A.
Protein change: p.Ser590Thr; replaces serine 590 with threonine.
Molecular consequence: missense variant.
Genome position (GRCh38, 1-based): chr1:942,773, T>A. VCF-style: chr1-942773-T-A. GRCh37 (hg19) VCF-style: chr1-878153-T-A.
Other names: c.1279T>A (NM_152486.2); c.1771T>A, p.Ser591Thr (NM_001385640.1); c.1279T>A, p.Ser427Thr (NM_152486.4); short protein forms S427T, S590T, S591T.
Identifiers: ClinVar variation 1523574 (VCV001523574.8), dbSNP rs1299283879, ClinGen allele CA337810629.

ClinVar aggregate classification (germline): Uncertain significance. Review status: criteria provided, multiple submitters, no conflicts (2 of 4 stars). 2 submissions from 2 submitters: Uncertain significance (2). Last evaluated 2025-01-07.

Allele frequency attached by ClinVar (database versions not stated): gnomAD exomes 0.00001 and 0.00002.
gnomAD v4.1: 32 of 1,535,486 alleles (0.0021%); highest among the groups gnomAD compares: Non-Finnish European, 0.0026%; no homozygotes.

Submissions (2):

Ambry Genetics
Classification: Uncertain significance. Last evaluated: 2025-01-07. Review status: criteria provided, single submitter. Criteria: Ambry Variant Classification Scheme 2023. Collection method: clinical testing. Allele origin: germline.

Labcorp Genetics (formerly Invitae), Labcorp
Classification: Uncertain significance. Last evaluated: 2024-02-24. Review status: criteria provided, single submitter. Criteria: Invitae Variant Classification Sherloc (09022015). Collection method: clinical testing. Allele origin: germline.
Comment: This sequence change replaces serine, which is neutral and polar, with threonine, which is neutral and polar, at codon 427 of the SAMD11 protein (p.Ser427Thr). This variant is present in population databases (no rsID available, gnomAD 0.002%). This variant has not been reported in the literature in individuals affected with SAMD11-related conditions. ClinVar contains an entry for this variant (Variation ID: 1523574). An algorithm developed to predict the effect of missense changes on protein structure and function (PolyPhen-2) suggests that this variant is likely to be tolerated. In summary, the available evidence is currently insufficient to determine the role of this variant in disease. Therefore, it has been classified as a Variant of Uncertain Significance.